The following is an entry in ClinVar:

ClinVar aggregate classification (germline): Uncertain significance. Review status: criteria provided, multiple submitters, no conflicts (2 of 4 stars). 2 submissions from 2 submitters: Uncertain significance (2). Last evaluated 2025-10-26.

Conditions:
Hypersulfaturia (HYSULF). Identifiers: MedGen C5830511, MONDO:0957268, OMIM 620372.
Nephrolithiasis susceptibility caused by SLC26A1 (CAON1). Also called: NEPHROLITHIASIS, CALCIUM OXALATE, 1. Identifiers: MedGen C5779632, MONDO:0020722, OMIM 167030.

Allele frequency attached by ClinVar (database versions not stated): ExAC 0.00033; TOPMed 0.00003; gnomAD exomes 0.00008.
gnomAD v4.1: 132 of 1,546,982 alleles (0.0085%); highest among the groups gnomAD compares: Non-Finnish European, 0.009%; no homozygotes.

Submissions (2):

Labcorp Genetics (formerly Invitae), Labcorp
Classification: Uncertain significance. Last evaluated: 2025-10-26. Review status: criteria provided, single submitter. Criteria: Invitae Variant Classification Sherloc (09022015). Collection method: clinical testing. Allele origin: germline.
Comment: This sequence change replaces proline, which is neutral and non-polar, with leucine, which is neutral and non-polar, at codon 16 of the SLC26A1 protein (p.Pro16Leu). This variant is present in population databases (rs199532422, gnomAD 0.03%). This variant has not been reported in the literature in individuals affected with SLC26A1-related conditions. ClinVar contains an entry for this variant (Variation ID: 2187791). An algorithm developed to predict the effect of missense changes on protein structure and function outputs the following: PolyPhen-2: "Benign". The leucine amino acid residue is found in multiple mammalian species, which suggests that this missense change does not adversely affect protein function. In summary, the available evidence is currently insufficient to determine the role of this variant in disease. Therefore, it has been classified as a Variant of Uncertain Significance.

Fulgent Genetics
Classification: Uncertain significance for Nephrolithiasis susceptibility caused by SLC26A1; Hypersulfaturia. Last evaluated: 2024-02-06. Review status: criteria provided, single submitter. Criteria: ACMG Guidelines, 2015. Collection method: clinical testing. Allele origin: germline.

NM_022042.4(SLC26A1):c.47C>T (p.Pro16Leu)

Genes: IDUA (alpha-L-iduronidase; plus strand), SLC26A1 (solute carrier family 26 member 1; minus strand). Cytogenetic location: 4p16.3.
Variant type: single nucleotide variant.
Coding change: c.47C>T on transcript NM_022042.4 (MANE Select); coding-DNA position 47, C replaced by T.
Protein change: p.Pro16Leu; replaces proline 16 with leucine.
Molecular consequence: missense variant. On other transcripts: intron variant (1).
Genome position (GRCh38, 1-based): chr4:991,657, G>A on the plus strand (C>T on the coding strand, the complement: SLC26A1 is on the minus strand). VCF-style: chr4-991657-G-A. GRCh37 (hg19) VCF-style: chr4-985445-G-A.
Other names: c.47C>T, p.Pro16Leu (NM_134425.4, NM_213613.4); c.299+3708G>A (NM_000203.5); short protein forms P16L.
Identifiers: ClinVar variation 2187791 (VCV002187791.5), dbSNP rs199532422, ClinGen allele CA2801791.